The following is an entry in ClinVar:

NM_001386140.1(MTTP):c.419A>G (p.Asn140Ser)

Gene: MTTP (microsomal triglyceride transfer protein; plus strand). Cytogenetic location: 4q23.
Variant type: single nucleotide variant.
Coding change: c.419A>G on transcript NM_001386140.1 (MANE Select); coding-DNA position 419, A replaced by G.
Protein change: p.Asn140Ser; replaces asparagine 140 with serine.
Molecular consequence: missense variant.
Genome position (GRCh38, 1-based): chr4:99,589,668, A>G. VCF-style: chr4-99589668-A-G. GRCh37 (hg19) VCF-style: chr4-100510825-A-G.
Other names: p.Asn140Ser; c.419A>G, p.Asn140Ser (NM_000253.4); c.170A>G, p.Asn57Ser (NM_001300785.2); short protein forms N140S, N57S.
Identifiers: ClinVar variation 197648 (VCV000197648.26), dbSNP rs61733140, ClinGen allele CA245905.

ClinVar aggregate classification (germline): Conflicting classifications of pathogenicity. Review status: criteria provided, conflicting classifications (1 of 4 stars). 8 submissions from 8 submitters: Uncertain significance (1); Benign (2); Likely benign (3). 2 of the submissions do not count toward it. Last evaluated 2026-01-28.

Conditions:
MTTP-related disorder. Also called: MTTP-related condition.
Abetalipoproteinaemia (ABL). Also called: Abetalipoproteinemia; Abetalipoproteinemia neuropathy; Apolipoprotein B deficiency; Congenital betalipoprotein deficiency syndrome; MTP DEFICIENCY. Identifiers: Orphanet 14, MedGen C0000744, MONDO:0008692, OMIM 200100, HP:0008181.

Allele frequency attached by ClinVar (database versions not stated): gnomAD exomes 0.00015 and 0.00047; ExAC 0.00049; ESP Exome Variant Server 0.00146; gnomAD 0.00162 and 0.00170; TOPMed 0.00183; 1000 Genomes Project 30x 0.00265; 1000 Genomes Project 0.00280.
gnomAD v4.1: 492 of 1,607,826 alleles (0.031%); highest among the groups gnomAD compares: African/African-American, 0.55%; no homozygotes.

Submissions (9):

Labcorp Genetics (formerly Invitae), Labcorp
Classification: Likely benign. Last evaluated: 2026-01-28. Review status: criteria provided, single submitter. Criteria: Invitae Variant Classification Sherloc (09022015). Collection method: clinical testing. Allele origin: germline.

Mayo Clinic Laboratories, Mayo Clinic
Classification: Likely benign. Last evaluated: 2025-06-04. Review status: criteria provided, single submitter. Criteria: ACMG Guidelines, 2015. Collection method: clinical testing. Allele origin: germline. Observed: 1 variant allele.
Comment: BS1, BP4_moderate

Blueprint Genetics
Classification: Benign. Last evaluated: 2024-11-25. Review status: criteria provided, single submitter. Criteria: ACMG Guidelines, 2015. Collection method: clinical testing. Allele origin: germline.

GeneDx
Classification: Likely benign. Last evaluated: 2019-07-08. Review status: criteria provided, single submitter. Criteria: GeneDx Variant Classification Process June 2021. Collection method: clinical testing. Allele origin: germline. Affected: yes.
Comment: See Variant Classification Assertion Criteria.

Illumina Laboratory Services, Illumina
Classification: Benign for Abetalipoproteinaemia. Last evaluated: 2017-04-28. Review status: criteria provided, single submitter. Criteria: ICSL Variant Classification Criteria 13 December 2019. Collection method: clinical testing. Allele origin: germline.
Comment: This variant was observed as part of a predisposition screen in an ostensibly healthy population. A literature search was performed for the gene, cDNA change, and amino acid change (where applicable). No publications were found based on this search. Allele frequency data from public databases was too high to be consistent with this variant causing disease. Therefore, this variant is classified as benign.

Eurofins Ntd Llc (ga)
Classification: Uncertain significance. Last evaluated: 2014-08-25. Review status: criteria provided, single submitter. Criteria: EGL Classification Definitions 2015. Collection method: clinical testing. Allele origin: germline. Observed: 1 variant allele, 1 heterozygote.

Natera, Inc.
Classification: Likely benign for Abetalipoproteinemia. Last evaluated: 2020-04-21. Review status: no assertion criteria provided. Collection method: clinical testing. Allele origin: germline. Not counted in ClinVar's aggregate classification.

PreventionGenetics, part of Exact Sciences
Classification: Likely benign for MTTP-related condition. Last evaluated: 2019-08-02. Review status: no assertion criteria provided. Collection method: clinical testing. Allele origin: germline. Not counted in ClinVar's aggregate classification.
Comment: This variant is classified as likely benign based on ACMG/AMP sequence variant interpretation guidelines (Richards et al. 2015 PMID: 25741868, with internal and published modifications).

Dr. Peter K. Rogan Lab, Western University
No classification provided (evidence only). Condition: Ovarian cancer. Review status: no classification provided. Collection method: in vitro. Allele origin: not applicable. Functional consequence: retained intron. Not counted in ClinVar's aggregate classification.